The following is an entry in ClinVar:

NM_015650.4(TRAF3IP1):c.463C>T (p.Arg155Ter)

Gene: TRAF3IP1 (TRAF3 interacting protein 1; plus strand). Cytogenetic location: 2q37.3.
Variant type: single nucleotide variant.
Coding change: c.463C>T on transcript NM_015650.4 (MANE Select); coding-DNA position 463, C replaced by T.
Protein change: p.Arg155Ter; replaces arginine 155 with a stop codon.
Molecular consequence: nonsense.
Genome position (GRCh38, 1-based): chr2:238,328,794, C>T. VCF-style: chr2-238328794-C-T. GRCh37 (hg19) VCF-style: chr2-239237435-C-T.
Other names: c.463C>T, p.Arg155Ter (NM_001139490.1); short protein forms R155*.
Identifiers: ClinVar variation 254146 (VCV000254146.8), dbSNP rs765903345, ClinGen allele CA2198069.

ClinVar aggregate classification (germline): Pathogenic. Review status: criteria provided, single submitter (1 of 4 stars). 2 submissions from 2 submitters: Pathogenic (1). 1 of the submissions does not count toward it. Last evaluated 2022-02-08.

Conditions:
Senior-Loken syndrome 9 (SLSN9). Identifiers: Orphanet 3156, MedGen C4225263, MONDO:0014712, OMIM 616629.

Allele frequency attached by ClinVar (database versions not stated): gnomAD exomes below 0.00001 and 0.00001; ExAC 0.00001.

Submissions (2):

Labcorp Genetics (formerly Invitae), Labcorp
Classification: Pathogenic. Last evaluated: 2022-02-08. Review status: criteria provided, single submitter. Criteria: Invitae Variant Classification Sherloc (09022015). Collection method: clinical testing. Allele origin: germline.
Comment: ClinVar contains an entry for this variant (Variation ID: 254146). This sequence change creates a premature translational stop signal (p.Arg155*) in the TRAF3IP1 gene. It is expected to result in an absent or disrupted protein product. Loss-of-function variants in TRAF3IP1 are known to be pathogenic (PMID: 21945076, 26487268, 29068549). This variant is present in population databases (rs765903345, gnomAD 0.0009%). This premature translational stop signal has been observed in individual(s) with clinical features of Senior-Loken syndrome (PMID: 26487268). Algorithms developed to predict the effect of variants on protein structure and function are not available or were not evaluated for this variant. Experimental studies have shown that this premature translational stop signal affects TRAF3IP1 function (PMID: 26487268). Algorithms developed to predict the effect of sequence changes on RNA splicing suggest that this variant may create or strengthen a splice site. For these reasons, this variant has been classified as Pathogenic.

OMIM
Classification: Pathogenic for SENIOR-LOKEN SYNDROME 9. Last evaluated: 2016-09-06. Review status: no assertion criteria provided. Collection method: literature only. Allele origin: germline. Not counted in ClinVar's aggregate classification.

Literature cited by the submitters: PubMed 21945076 (cited by Labcorp Genetics (formerly Invitae), Labcorp); PubMed 26487268 (cited by Labcorp Genetics (formerly Invitae), Labcorp and OMIM); PubMed 29068549 (cited by Labcorp Genetics (formerly Invitae), Labcorp).